The following is an entry in ClinVar:

NM_001004320.2(AGMO):c.958-1G>C

Gene: AGMO (alkylglycerol monooxygenase; minus strand). Cytogenetic location: 7p21.2.
Variant type: single nucleotide variant.
Coding change: c.958-1G>C on transcript NM_001004320.2 (MANE Select); the canonical splice acceptor site of the intron before coding-DNA position 958, G replaced by C.
Molecular consequence: splice acceptor variant.
Genome position (GRCh38, 1-based): chr7:15,385,563, C>G on the plus strand (G>C on the coding strand, the complement: AGMO is on the minus strand). VCF-style: chr7-15385563-C-G. GRCh37 (hg19) VCF-style: chr7-15425188-C-G.
Identifiers: ClinVar variation 4813375 (VCV004813375.1).

ClinVar aggregate classification (germline): Likely pathogenic (1 of 4 stars; one submission).

gnomAD v4.1: 51 of 1,564,256 alleles (0.0033%); highest among the groups gnomAD compares: African/African-American, 0.045%; no homozygotes.

Submission:

GeneDx
Classification: Likely pathogenic. Last evaluated: 2025-09-11. Review status: criteria provided, single submitter. Criteria: GeneDx Variant Classification Process June 2021. Collection method: clinical testing. Allele origin: germline. Affected: yes.
Comment: Canonical splice site variant predicted to result in an in-frame loss of the adjacent exon in a gene for which loss of function is a known mechanism of disease; Has not been previously published as pathogenic or benign to our knowledge